The following is an entry in ClinVar:

ClinVar aggregate classification (germline): Uncertain significance. Review status: criteria provided, multiple submitters, no conflicts (2 of 4 stars). 2 submissions from 2 submitters: Uncertain significance (2). Last evaluated 2026-01-13.

Conditions:
Inborn genetic diseases. Identifiers: MedGen C0950123, MeSH D030342.

gnomAD v4.1: 7 of 1,614,068 alleles (0.00043%); highest among the groups gnomAD compares: East Asian, 0.016%; no homozygotes.

Submissions (2):

Labcorp Genetics (formerly Invitae), Labcorp
Classification: Uncertain significance. Last evaluated: 2026-01-13. Review status: criteria provided, single submitter. Criteria: Invitae Variant Classification Sherloc (09022015). Collection method: clinical testing. Allele origin: germline.
Comment: This sequence change replaces isoleucine, which is neutral and non-polar, with valine, which is neutral and non-polar, at codon 748 of the LEMD3 protein (p.Ile748Val). This variant is present in population databases (rs76293710, gnomAD 0.05%). This variant has not been reported in the literature in individuals affected with LEMD3-related conditions. ClinVar contains an entry for this variant (Variation ID: 3290458). Invitae Evidence Modeling of protein sequence and biophysical properties (such as structural, functional, and spatial information, amino acid conservation, physicochemical variation, residue mobility, and thermodynamic stability) indicates that this missense variant is not expected to disrupt LEMD3 protein function with a negative predictive value of 80%. In summary, the available evidence is currently insufficient to determine the role of this variant in disease. Therefore, it has been classified as a Variant of Uncertain Significance.

Ambry Genetics
Classification: Uncertain significance for Inborn genetic diseases. Last evaluated: 2024-04-29. Review status: criteria provided, single submitter. Criteria: Ambry Variant Classification Scheme 2023. Collection method: clinical testing. Allele origin: germline.

NM_014319.5(LEMD3):c.2242A>G (p.Ile748Val)

Gene: LEMD3 (LEM domain containing 3; plus strand). Cytogenetic location: 12q14.3.
Variant type: single nucleotide variant.
Coding change: c.2242A>G on transcript NM_014319.5 (MANE Select); coding-DNA position 2242, A replaced by G.
Protein change: p.Ile748Val; replaces isoleucine 748 with valine.
Molecular consequence: missense variant.
Genome position (GRCh38, 1-based): chr12:65,241,024, A>G. VCF-style: chr12-65241024-A-G. GRCh37 (hg19) VCF-style: chr12-65634804-A-G.
Other names: c.2239A>G, p.Ile747Val (NM_001167614.2); short protein forms I747V, I748V.
Identifiers: ClinVar variation 3290458 (VCV003290458.2).